The following is an entry in ClinVar:

ClinVar aggregate classification (germline): Uncertain significance (1 of 4 stars; one submission).

Submission:

Labcorp Genetics (formerly Invitae), Labcorp
Classification: Uncertain significance. Last evaluated: 2024-08-13. Review status: criteria provided, single submitter. Criteria: Invitae Variant Classification Sherloc (09022015). Collection method: clinical testing. Allele origin: germline.
Comment: This sequence change replaces leucine, which is neutral and non-polar, with serine, which is neutral and polar, at codon 370 of the CEP89 protein (p.Leu370Ser). This variant is not present in population databases (gnomAD no frequency). This variant has not been reported in the literature in individuals affected with CEP89-related conditions. An algorithm developed to predict the effect of missense changes on protein structure and function (PolyPhen-2) suggests that this variant is likely to be disruptive. In summary, the available evidence is currently insufficient to determine the role of this variant in disease. Therefore, it has been classified as a Variant of Uncertain Significance.

NM_032816.5(CEP89):c.1109T>C (p.Leu370Ser)

Gene: CEP89 (centrosomal protein 89; minus strand). Cytogenetic location: 19q13.11.
Variant type: single nucleotide variant.
Coding change: c.1109T>C on transcript NM_032816.5 (MANE Select); coding-DNA position 1109, T replaced by C.
Protein change: p.Leu370Ser; replaces leucine 370 with serine.
Molecular consequence: missense variant.
Genome position (GRCh38, 1-based): chr19:32,926,245, A>G on the plus strand (T>C on the coding strand, the complement: CEP89 is on the minus strand). VCF-style: chr19-32926245-A-G. GRCh37 (hg19) VCF-style: chr19-33417151-A-G.
Other names: short protein forms L370S.
Identifiers: ClinVar variation 2719820 (VCV002719820.3), dbSNP rs2513700871, ClinGen allele CA405202279.
Genomic context (GRCh38, chr19:32,926,245, plus strand): 5'-CCTACCTTGAGGGTGGCATTGAGCTCGTCCTTCTCTTTCATCATATCTTCATAAGCCAGC[A>G]ACAATGGTGACAGGTACTTTATATCCAACTGAAGATAGAGAGTAAAGGAAGGTTAATATA-3'
Protein context (NP_116205.3, residues 360-380): LLDIKYLSPL[Leu370Ser]LAYEDMMKEK